The following is an entry in ClinVar:

ClinVar aggregate classification (germline): Uncertain significance (1 of 4 stars; one submission).

Allele frequency attached by ClinVar (database versions not stated): ESP Exome Variant Server 0.00008.
gnomAD v4.1: 30 of 1,613,928 alleles (0.0019%); highest among the groups gnomAD compares: African/African-American, 0.004%; no homozygotes.

Submission:

Labcorp Genetics (formerly Invitae), Labcorp
Classification: Uncertain significance. Last evaluated: 2022-08-06. Review status: criteria provided, single submitter. Criteria: Invitae Variant Classification Sherloc (09022015). Collection method: clinical testing. Allele origin: germline.
Comment: Algorithms developed to predict the effect of missense changes on protein structure and function are either unavailable or do not agree on the potential impact of this missense change (SIFT: "Deleterious"; PolyPhen-2: "Benign"; Align-GVGD: "Class C65"). In summary, the available evidence is currently insufficient to determine the role of this variant in disease. Therefore, it has been classified as a Variant of Uncertain Significance. This variant has not been reported in the literature in individuals affected with MAGI2-related conditions. This variant is present in population databases (rs139352828, gnomAD 0.01%). This sequence change replaces arginine, which is basic and polar, with glycine, which is neutral and non-polar, at codon 564 of the MAGI2 protein (p.Arg564Gly).

NM_012301.4(MAGI2):c.1690C>G (p.Arg564Gly)

Gene: MAGI2 (membrane associated guanylate kinase, WW and PDZ domain containing 2; minus strand). Cytogenetic location: 7q21.11.
Variant type: single nucleotide variant.
Coding change: c.1690C>G on transcript NM_012301.4 (MANE Select); coding-DNA position 1690, C replaced by G.
Protein change: p.Arg564Gly; replaces arginine 564 with glycine.
Molecular consequence: missense variant.
Genome position (GRCh38, 1-based): chr7:78,256,300, G>C on the plus strand (C>G on the coding strand, the complement: MAGI2 is on the minus strand). VCF-style: chr7-78256300-G-C. GRCh37 (hg19) VCF-style: chr7-77885617-G-C.
Other names: c.1690C>G, p.Arg564Gly (NM_001301128.2); short protein forms R564G.
Identifiers: ClinVar variation 1949805 (VCV001949805.5), dbSNP rs139352828, ClinGen allele CA161218396.